The following is an entry in ClinVar:

ClinVar aggregate classification (germline): Benign/Likely benign. Review status: criteria provided, multiple submitters, no conflicts (2 of 4 stars). 4 submissions from 4 submitters: Benign (1); Likely benign (2). 1 of the submissions does not count toward it. Last evaluated 2025-10-09.

Conditions:
GPR179-related disorder. Also called: GPR179-related condition.
Congenital stationary night blindness 1E. Also called: Night blindness, congenital stationary (complete), 1E, autosomal recessive. Identifiers: Orphanet 215, MedGen C3281215, MONDO:0013807, OMIM 614565.

Allele frequency attached by ClinVar (database versions not stated): gnomAD below 0.00001 and 0.00009; TOPMed below 0.00001; 1000 Genomes Project 30x 0.00031; 1000 Genomes Project 0.00040.
gnomAD v4.1: 382 of 1,614,050 alleles (0.024%); highest among the groups gnomAD compares: South Asian, 0.4%; 1 homozygote.

Submissions (4):

Labcorp Genetics (formerly Invitae), Labcorp
Classification: Benign. Last evaluated: 2025-10-09. Review status: criteria provided, single submitter. Criteria: Invitae Variant Classification Sherloc (09022015). Collection method: clinical testing. Allele origin: germline.

Blueprint Genetics
Classification: Likely benign. Last evaluated: 2024-10-18. Review status: criteria provided, single submitter. Criteria: ACMG Guidelines, 2015. Collection method: clinical testing. Allele origin: germline.

Illumina Laboratory Services, Illumina
Classification: Likely benign for Congenital stationary night blindness 1E. Last evaluated: 2018-01-13. Review status: criteria provided, single submitter. Criteria: ICSL Variant Classification Criteria 13 December 2019. Collection method: clinical testing. Allele origin: germline.
Comment: This variant was observed in the ICSL laboratory as part of a predisposition screen in an ostensibly healthy population. It had not been previously curated by ICSL or reported in the Human Gene Mutation Database (HGMD: prior to June 1st, 2018), and was therefore a candidate for classification through an automated scoring system. Utilizing variant allele frequency, disease prevalence and penetrance estimates, and inheritance mode, an automated score was calculated to assess if this variant is too frequent to cause the disease. Based on the score and internal cut-off values, a variant classified as likely benign is not then subjected to further curation. The score for this variant resulted in a classification of likely benign for this disease.

PreventionGenetics, part of Exact Sciences
Classification: Likely benign for GPR179-related condition. Last evaluated: 2019-10-28. Review status: no assertion criteria provided. Collection method: clinical testing. Allele origin: germline. Not counted in ClinVar's aggregate classification.
Comment: This variant is classified as likely benign based on ACMG/AMP sequence variant interpretation guidelines (Richards et al. 2015 PMID: 25741868, with internal and published modifications).

NM_001004334.4(GPR179):c.3819C>G (p.Ala1273=)

Gene: GPR179 (G protein-coupled receptor 179; minus strand). Cytogenetic location: 17q12.
Variant type: single nucleotide variant.
Coding change: c.3819C>G on transcript NM_001004334.4 (MANE Select); coding-DNA position 3819, C replaced by G.
Protein change: p.Ala1273=; no amino-acid change (alanine 1273 retained).
Molecular consequence: synonymous variant.
Genome position (GRCh38, 1-based): chr17:38,329,750, G>C on the plus strand (C>G on the coding strand, the complement: GPR179 is on the minus strand). VCF-style: chr17-38329750-G-C. GRCh37 (hg19) VCF-style: chr17-36485633-G-C.
Other names: c.3819C>G (NM_001004334.3).
Identifiers: ClinVar variation 322991 (VCV000322991.15), dbSNP rs201777145, ClinGen allele CA10645563.